The following is an entry in ClinVar:

ClinVar aggregate classification (germline): Likely benign. Review status: criteria provided, multiple submitters, no conflicts (2 of 4 stars). 3 submissions from 3 submitters: Likely benign (3). Last evaluated 2024-10-19.

Conditions:
ADGRV1-related disorder. Also called: ADGRV1-related disorders; ADGRV1-related condition.

Allele frequency attached by ClinVar (database versions not stated): TOPMed below 0.00001; gnomAD exomes 0.00005; ExAC 0.00006.
gnomAD v4.1: 27 of 1,610,748 alleles (0.0017%); highest among the groups gnomAD compares: Middle Eastern, 0.017%; no homozygotes.

Submissions (3):

PreventionGenetics, part of Exact Sciences
Classification: Likely benign for ADGRV1-related condition. Last evaluated: 2024-10-19. Review status: criteria provided, single submitter. Criteria: ACMG Guidelines, 2015. Collection method: clinical testing. Allele origin: germline.
Comment: This variant is classified as likely benign based on ACMG/AMP sequence variant interpretation guidelines (Richards et al. 2015 PMID: 25741868, with internal and published modifications).

Labcorp Genetics (formerly Invitae), Labcorp
Classification: Likely benign. Last evaluated: 2024-09-17. Review status: criteria provided, single submitter. Criteria: Invitae Variant Classification Sherloc (09022015). Collection method: clinical testing. Allele origin: germline.

Blueprint Genetics
Classification: Likely benign. Last evaluated: 2021-05-11. Review status: criteria provided, single submitter. Criteria: ACMG Guidelines, 2015. Collection method: clinical testing. Allele origin: germline.

NM_032119.4(ADGRV1):c.12591C>T (p.Ser4197=)

Gene: ADGRV1 (adhesion G protein-coupled receptor V1; plus strand). Cytogenetic location: 5q14.3.
Variant type: single nucleotide variant.
Coding change: c.12591C>T on transcript NM_032119.4 (MANE Select); coding-DNA position 12591, C replaced by T.
Protein change: p.Ser4197=; no amino-acid change (serine 4197 retained).
Molecular consequence: synonymous variant. On other transcripts: non-coding transcript variant (1).
Genome position (GRCh38, 1-based): chr5:90,777,968, C>T. VCF-style: chr5-90777968-C-T. GRCh37 (hg19) VCF-style: chr5-90073785-C-T.
Other names: c.12591C>T (NM_032119.3).
Identifiers: ClinVar variation 1635702 (VCV001635702.10), dbSNP rs764416978, ClinGen allele CA3341291.